The following is an entry in ClinVar:

NM_000554.6(CRX):c.-7G>A

Gene: CRX (cone-rod homeobox; plus strand). Cytogenetic location: 19q13.33.
Variant type: single nucleotide variant.
Coding change: c.-7G>A on transcript NM_000554.6 (MANE Select); 7 bases upstream of the start codon, G replaced by A.
Molecular consequence: 5 prime UTR variant.
Genome position (GRCh38, 1-based): chr19:47,834,437, G>A. VCF-style: chr19-47834437-G-A. GRCh37 (hg19) VCF-style: chr19-48337694-G-A.
Identifiers: ClinVar variation 4981913 (VCV004981913.1).

ClinVar aggregate classification (germline): Likely benign (1 of 4 stars; one submission).

Conditions:
CRX-related disorder. Also called: CRX-related condition.

Submission:

PreventionGenetics, part of Exact Sciences
Classification: Likely benign for CRX-related condition. Last evaluated: 2026-09-10. Review status: criteria provided, single submitter. Criteria: ACMG Guidelines, 2015. Collection method: clinical testing. Allele origin: germline.
Comment: This variant is classified as likely benign based on ACMG/AMP sequence variant interpretation guidelines (Richards et al. 2015 PMID: 25741868, with internal and published modifications).